The following is an entry in ClinVar:

NM_003659.4(AGPS):c.1229A>G (p.Lys410Arg)

Gene: AGPS (alkylglycerone phosphate synthase; plus strand). Cytogenetic location: 2q31.2.
Variant type: single nucleotide variant.
Coding change: c.1229A>G on transcript NM_003659.4 (MANE Select); coding-DNA position 1229, A replaced by G.
Protein change: p.Lys410Arg; replaces lysine 410 with arginine.
Molecular consequence: missense variant.
Genome position (GRCh38, 1-based): chr2:177,482,182, A>G. VCF-style: chr2-177482182-A-G. GRCh37 (hg19) VCF-style: chr2-178346910-A-G.
Other names: short protein forms K410R.
Identifiers: ClinVar variation 1493589 (VCV001493589.6), dbSNP rs2105693629, ClinGen allele CA349361846.

ClinVar aggregate classification (germline): Uncertain significance (1 of 4 stars; one submission).

Submission:

Labcorp Genetics (formerly Invitae), Labcorp
Classification: Uncertain significance. Last evaluated: 2021-11-08. Review status: criteria provided, single submitter. Criteria: Invitae Variant Classification Sherloc (09022015). Collection method: clinical testing. Allele origin: germline.
Comment: This sequence change replaces lysine, which is basic and polar, with arginine, which is basic and polar, at codon 410 of the AGPS protein (p.Lys410Arg). This variant is not present in population databases (gnomAD no frequency). This variant has not been reported in the literature in individuals affected with AGPS-related conditions. Algorithms developed to predict the effect of missense changes on protein structure and function (SIFT, PolyPhen-2, Align-GVGD) all suggest that this variant is likely to be tolerated. In summary, the available evidence is currently insufficient to determine the role of this variant in disease. Therefore, it has been classified as a Variant of Uncertain Significance.